The following is an entry in ClinVar:

ClinVar aggregate classification (germline): Pathogenic/Likely pathogenic. Review status: criteria provided, multiple submitters, no conflicts (2 of 4 stars). 9 submissions from 9 submitters: Pathogenic (7); Likely pathogenic (2). Last evaluated 2025-04-13.

Conditions:
NIPBL-related disorder. Also called: NIPBL-related condition.
Cornelia de Lange syndrome 1 (CDLS1). Also called: TYPUS DEGENERATIVUS AMSTELODAMENSIS; Brachmann de Lange syndrome; NIPBL-Related Cornelia de Lange Syndrome. Identifiers: Orphanet 199, MedGen C4551851, MONDO:0007387, OMIM 122470.

Submissions (9):

Dasa
Classification: Pathogenic. Last evaluated: 2025-04-13. Review status: criteria provided, single submitter. Criteria: DASA Assertion Criteria. Collection method: clinical testing. Allele origin: germline.
Comment: NM_133433.4(NIPBL):c.6893G>A (p.Arg2298His) introduces an arginine-to-histidine substitution. The variant has been recurrently observed in individuals with Cornelia de Lange syndrome (PMIDs: 15318302, 16606884, 26725122). Multiple computational predictions support a deleterious effect on the gene or gene product, and the variant is absent from population datasets. Based on the available data, this variant is classified as pathogenic.

3billion
Classification: Pathogenic for Cornelia de Lange syndrome 1. Last evaluated: 2024-10-11. Review status: criteria provided, single submitter. Criteria: ACMG Guidelines, 2015. Collection method: clinical testing. Allele origin: germline. Affected: yes.
Comment: The variant is not observed in the gnomAD v4.1.0 dataset. Predicted Consequence/Location: Missense variant In silico tool predictions suggest damaging effect of the variant on gene or gene product [REVEL: 0.95 (>=0.6, sensitivity 0.68 and specificity 0.92); 3Cnet: 0.99 (>=0.6, sensitivity 0.72 and precision 0.9)]. The same nucleotide change resulting in the same amino acid change has been previously reported as pathogenic/likely pathogenic with strong evidence (ClinVar ID: VCV000159211 /PMID: 15318302). The variant has been observed in at least two similarly affected unrelated individuals (PMID: 15318302). Different missense changes at the same codon (p.Arg2298Cys, p.Arg2298Gly, p.Arg2298Leu, p.Arg2298Pro, p.Arg2298Ser) have been reported as pathogenic/likely pathogenic with strong evidence (ClinVar ID: VCV000099938, VCV000159210 /PMID: 15318302, 16236812, 17661813, 37377026). Therefore, this variant is classified as Pathogenic according to the recommendation of ACMG/AMP guideline.

Labcorp Genetics (formerly Invitae), Labcorp
Classification: Pathogenic for Cornelia de Lange syndrome 1. Last evaluated: 2024-04-08. Review status: criteria provided, single submitter. Criteria: Invitae Variant Classification Sherloc (09022015). Collection method: clinical testing. Allele origin: germline.
Comment: This sequence change replaces arginine, which is basic and polar, with histidine, which is basic and polar, at codon 2298 of the NIPBL protein (p.Arg2298His). This variant is not present in population databases (gnomAD no frequency). This missense change has been observed in individual(s) with Cornelia de Lange syndrome (PMID: 15318302). In at least one individual the variant was observed to be de novo. ClinVar contains an entry for this variant (Variation ID: 159211). Advanced modeling of protein sequence and biophysical properties (such as structural, functional, and spatial information, amino acid conservation, physicochemical variation, residue mobility, and thermodynamic stability) performed at Invitae indicates that this missense variant is expected to disrupt NIPBL protein function with a positive predictive value of 95%. This variant disrupts the p.Arg2298 amino acid residue in NIPBL. Other variant(s) that disrupt this residue have been determined to be pathogenic (PMID: 16236812). This suggests that this residue is clinically significant, and that variants that disrupt this residue are likely to be disease-causing. For these reasons, this variant has been classified as Pathogenic.

PreventionGenetics, part of Exact Sciences
Classification: Pathogenic for NIPBL-related condition. Last evaluated: 2023-02-13. Review status: criteria provided, single submitter. Criteria: ACMG Guidelines, 2015. Collection method: clinical testing. Allele origin: germline.
Comment: The NIPBL c.6893G>A variant is predicted to result in the amino acid substitution p.Arg2298His. This variant has been previously reported as de novo in two individuals with Cornelia de Lange syndrome (Gillis et al. 2004. PubMed ID: 15318302). This variant has not been reported in a large population database, indicating this variant is rare. Different amino acids substitutions at the same residue (p.Arg2298Cys, p.Arg2298Ser, and p.Arg2298Leu) have also been reported in individuals with Cornelia de Lange syndrome (Gillis et al. 2004. PubMed ID: 15318302; Bhuiyan et al. 2006. PubMed ID: 16236812; Selicorni et al. 2007. PubMed ID: 17661813; Table 4 - Jiao et al. 2019. PubMed ID: 30945278). In summary, c.6893G>A (p.Arg2298His) variant is interpreted as pathogenic.

Genetics and Molecular Pathology, SA Pathology
Classification: Pathogenic for Cornelia de Lange syndrome 1. Last evaluated: 2022-10-07. Review status: criteria provided, single submitter. Criteria: ACMG Guidelines, 2015. Collection method: clinical testing. Allele origin: germline. Inheritance: Autosomal dominant inheritance. Affected: yes.

GeneDx
Classification: Pathogenic. Last evaluated: 2021-08-12. Review status: criteria provided, single submitter. Criteria: GeneDx Variant Classification Process June 2021. Collection method: clinical testing. Allele origin: germline. Affected: yes.
Comment: Not observed at significant frequency in large population cohorts (Lek et al., 2016); In silico analysis supports that this missense variant has a deleterious effect on protein structure/function; This variant is associated with the following publications: (PMID: 15318302, 17640042, 16606884, 16100726, 26725122)

Genome-Nilou Lab
Classification: Likely pathogenic for Cornelia de Lange syndrome 1. Last evaluated: 2021-07-15. Review status: criteria provided, single submitter. Criteria: ACMG Guidelines, 2015. Collection method: clinical testing. Allele origin: germline. Affected: no.

Clinical Genetics and Genomics, Karolinska University Hospital
Classification: Likely pathogenic. Last evaluated: 2020-01-24. Review status: criteria provided, single submitter. Criteria: ACMG Guidelines, 2015. Collection method: clinical testing. Allele origin: germline. Affected: yes. Observed: 1 variant allele.

Genetic Services Laboratory, University of Chicago
Classification: Pathogenic for Cornelia de Lange syndrome 1. Last evaluated: 2013-02-08. Review status: criteria provided, single submitter. Criteria: ACMG Guidelines, 2007. Collection method: clinical testing. Allele origin: germline. Inheritance: Autosomal dominant inheritance. Affected: yes.

Literature cited by the submitters: PubMed 15318302 (cited by 3 submitters); PubMed 16236812 (cited by Labcorp Genetics (formerly Invitae), Labcorp).

NM_133433.4(NIPBL):c.6893G>A (p.Arg2298His)

Gene: NIPBL (NIPBL cohesin loading factor; plus strand). Cytogenetic location: 5p13.2.
Variant type: single nucleotide variant.
Coding change: c.6893G>A on transcript NM_133433.4 (MANE Select); coding-DNA position 6893, G replaced by A.
Protein change: p.Arg2298His; replaces arginine 2298 with histidine.
Molecular consequence: missense variant.
Genome position (GRCh38, 1-based): chr5:37,049,240, G>A. VCF-style: chr5-37049240-G-A. GRCh37 (hg19) VCF-style: chr5-37049342-G-A.
Other names: c.6893G>A, p.Arg2298His (NM_015384.5); short protein forms R2298H.
Identifiers: ClinVar variation 159211 (VCV000159211.25), dbSNP rs587784024, ClinGen allele CA272266.